The following is an entry in ClinVar:

NM_004560.4(ROR2):c.2729A>G (p.Gln910Arg)

Gene: ROR2 (ROR family WNT receptor 2; minus strand). Cytogenetic location: 9q22.31.
Variant type: single nucleotide variant.
Coding change: c.2729A>G on transcript NM_004560.4 (MANE Select); coding-DNA position 2729, A replaced by G.
Protein change: p.Gln910Arg; replaces glutamine 910 with arginine.
Molecular consequence: missense variant.
Genome position (GRCh38, 1-based): chr9:91,723,765, T>C on the plus strand (A>G on the coding strand, the complement: ROR2 is on the minus strand). VCF-style: chr9-91723765-T-C. GRCh37 (hg19) VCF-style: chr9-94486047-T-C.
Other names: short protein forms Q910R.
Identifiers: ClinVar variation 2636401 (VCV002636401.1), dbSNP rs2490100497, ClinGen allele CA373793208.
Genomic context (GRCh38, chr9:91,723,765, plus strand): 5'-TCACAGTCCCCCAGCAGCTCAGTCTCTGGGACAGAGCCTTCCTCCTCCTCCTCTGCTTCC[T>C]GCACGGTGCTCTGGGCCCCATCTTCTGGGGCGTTCTGTGTGTCATCAGCGCCCTCTGAGA-3'
Protein context (NP_004551.2, residues 900-920): APEDGAQSTV[Gln910Arg]EAEEEEEGSV

ClinVar aggregate classification (germline): Uncertain significance (1 of 4 stars; one submission).

Conditions:
ROR2-related disorder. Also called: ROR2-related disorders; ROR2-related condition.

Allele frequency attached by ClinVar (database versions not stated): gnomAD exomes below 0.00001.
gnomAD v4.1: 1 of 1,613,846 alleles (0.000062%); highest among the groups gnomAD compares: Non-Finnish European, 0.000085%; no homozygotes.

Submission:

PreventionGenetics, part of Exact Sciences
Classification: Uncertain significance for ROR2-related condition. Last evaluated: 2022-12-29. Review status: criteria provided, single submitter. Criteria: ACMG Guidelines, 2015. Collection method: clinical testing. Allele origin: germline.
Comment: The ROR2 c.2729A>G variant is predicted to result in the amino acid substitution p.Gln910Arg. To our knowledge, this variant has not been reported in the literature or in a large population database, indicating this variant is rare. At this time, the clinical significance of this variant is uncertain due to the absence of conclusive functional and genetic evidence.